The following is an entry in ClinVar:

NM_000064.4(C3):c.600-1G>T

Gene: C3 (complement C3; minus strand). Cytogenetic location: 19p13.3.
Variant type: single nucleotide variant.
Coding change: c.600-1G>T on transcript NM_000064.4 (MANE Select); the canonical splice acceptor site of the intron before coding-DNA position 600, G replaced by T.
Molecular consequence: splice acceptor variant.
Genome position (GRCh38, 1-based): chr19:6,714,249, C>A on the plus strand (G>T on the coding strand, the complement: C3 is on the minus strand). VCF-style: chr19-6714249-C-A. GRCh37 (hg19) VCF-style: chr19-6714260-C-A.
Identifiers: ClinVar variation 2683683 (VCV002683683.1), dbSNP rs2512267009, ClinGen allele CA403643288.

ClinVar aggregate classification (germline): Likely pathogenic (1 of 4 stars; one submission).

Allele frequency attached by ClinVar (database versions not stated): gnomAD exomes below 0.00001.
gnomAD v4.1: 2 of 1,613,864 alleles (0.00012%); highest among the groups gnomAD compares: Non-Finnish European, 0.00017%; no homozygotes.

Submission:

Mayo Clinic Laboratories, Mayo Clinic
Classification: Likely pathogenic. Last evaluated: 2023-01-12. Review status: criteria provided, single submitter. Criteria: ACMG Guidelines, 2015. Collection method: clinical testing. Allele origin: germline. Observed: 1 variant allele.
Comment: PM2_supporting, PVS1